The following is an entry in ClinVar:

NM_201384.3(PLEC):c.5079G>C (p.Glu1693Asp)

Gene: PLEC (plectin; minus strand). Cytogenetic location: 8q24.3.
Variant type: single nucleotide variant.
Coding change: c.5079G>C on transcript NM_201384.3 (MANE Select); coding-DNA position 5079, G replaced by C.
Protein change: p.Glu1693Asp; replaces glutamic acid 1693 with aspartic acid.
Molecular consequence: missense variant. On other transcripts: intron variant (1).
Genome position (GRCh38, 1-based): chr8:143,924,850, C>G on the plus strand (G>C on the coding strand, the complement: PLEC is on the minus strand). VCF-style: chr8-143924850-C-G. GRCh37 (hg19) VCF-style: chr8-144999018-C-G.
Other names: c.5160G>C, p.Glu1720Asp (NM_000445.5); c.5037G>C, p.Glu1679Asp (NM_201378.4); c.5013G>C, p.Glu1671Asp (NM_201379.3); c.5490G>C, p.Glu1830Asp (NM_201380.4); c.4983G>C, p.Glu1661Asp (NM_201381.3); c.5079G>C, p.Glu1693Asp (NM_201382.4); c.5091G>C, p.Glu1697Asp (NM_201383.3); c.4125+1934G>C (NM_001410941.1); and 1 more; short protein forms E1679D, E1693D, E1697D, E1671D, E1720D, E1661D, E1830D.
Identifiers: ClinVar variation 2927746 (VCV002927746.4), dbSNP rs1554699297, ClinGen allele CA372549891.

ClinVar aggregate classification (germline): Uncertain significance. Review status: criteria provided, multiple submitters, no conflicts (2 of 4 stars). 2 submissions from 2 submitters: Uncertain significance (2). Last evaluated 2025-01-14.

Conditions:
Epidermolysis bullosa simplex with nail dystrophy (EBS5D). Identifiers: MedGen C4225309, MONDO:0014661, OMIM 616487.
Epidermolysis bullosa simplex 5B, with muscular dystrophy (EBS5B). Also called: EPIDERMOLYSIS BULLOSA SIMPLEX AND LIMB-GIRDLE MUSCULAR DYSTROPHY; Epidermolysis bullosa simplex with muscular dystrophy. Identifiers: Orphanet 257, MedGen C2931072, MONDO:0009181, OMIM 226670.
Epidermolysis bullosa simplex 5C, with pyloric atresia (EBS5C). Also called: PLEC-Related Epidermolysis Bullosa with Pyloric Atresia; Epidermolysis bullosa simplex with pyloric atresia; PLEC1-Related Epidermolysis Bullosa with Pyloric Atresia. Identifiers: Orphanet 158684, MedGen C2677349, MONDO:0012807, OMIM 612138.
Autosomal recessive limb-girdle muscular dystrophy type 2Q (LGMDR17). Also called: MUSCULAR DYSTROPHY, LIMB-GIRDLE, AUTOSOMAL RECESSIVE 17. Identifiers: Orphanet 254361, MedGen C3150989, MONDO:0013390, OMIM 613723.
Epidermolysis bullosa simplex, Ogna type (EBS5A). Also called: Pidermolysis bullosa simplex 5A, Ogna type; EPIDERMOLYSIS BULLOSA SIMPLEX 5A, OGNA TYPE. Identifiers: Orphanet 79401, MedGen C0432317, MONDO:0007555, OMIM 131950.
Inborn genetic diseases. Identifiers: MedGen C0950123, MeSH D030342.

Allele frequency attached by ClinVar (database versions not stated): gnomAD exomes below 0.00001.
gnomAD v4.1: 1 of 1,586,218 alleles (0.000063%); highest among the groups gnomAD compares: Non-Finnish European, 0.000085%; no homozygotes.

Submissions (2):

Ambry Genetics
Classification: Uncertain significance for Inborn genetic diseases. Last evaluated: 2025-01-14. Review status: criteria provided, single submitter. Criteria: Ambry Variant Classification Scheme 2023. Collection method: clinical testing. Allele origin: germline.

Labcorp Genetics (formerly Invitae), Labcorp
Classification: Uncertain significance for Autosomal recessive limb-girdle muscular dystrophy type 2Q; Epidermolysis bullosa simplex, Ogna type; Epidermolysis bullosa simplex with nail dystrophy; Epidermolysis bullosa simplex 5C, with pyloric atresia; Epidermolysis bullosa simplex 5B, with muscular dystrophy. Last evaluated: 2023-08-07. Review status: criteria provided, single submitter. Criteria: Invitae Variant Classification Sherloc (09022015). Collection method: clinical testing. Allele origin: germline.
Comment: This sequence change replaces glutamic acid, which is acidic and polar, with aspartic acid, which is acidic and polar, at codon 1720 of the PLEC protein (p.Glu1720Asp). This variant is not present in population databases (gnomAD no frequency). This variant has not been reported in the literature in individuals affected with PLEC-related conditions. Experimental studies and prediction algorithms are not available or were not evaluated, and the functional significance of this variant is currently unknown. In summary, the available evidence is currently insufficient to determine the role of this variant in disease. Therefore, it has been classified as a Variant of Uncertain Significance.